The following is an entry in ClinVar:

NM_000520.6(HEXA):c.425_426del (p.Thr141_Phe142insTer)

Gene: HEXA (hexosaminidase subunit alpha; minus strand). Cytogenetic location: 15q23.
Variant type: Deletion.
Coding change: c.425_426del on transcript NM_000520.6 (MANE Select); coding-DNA positions 425 to 426, 2 bases deleted (TT; older notation c.425_426delTT).
Protein change: p.Thr141_Phe142insTer.
Molecular consequence: nonsense. On other transcripts: non-coding transcript variant (1).
Genome position (GRCh38, 1-based): chr15:72,353,724-72,353,725, AA deleted on the plus strand (TT on the coding strand, the reverse complement: HEXA is on the minus strand); deleting any 2 consecutive bases within chr15:72,353,724-72,353,727 gives the same sequence; the c. name uses the placement nearest the transcript's 3' end. VCF-style (leftmost placement, unchanged base first): chr15-72353723-TAA-T. GRCh37 (hg19) VCF-style: chr15-72646064-TAA-T.
Other names: c.458_459del, p.Thr152_Phe153insTer (NM_001318825.2).
Identifiers: ClinVar variation 3932 (VCV000003932.184), dbSNP rs1057519458, ClinGen allele CA913185095.
Genomic context (GRCh38, chr15:72,353,723, plus strand): 5'-GGAGCCCTTTTTGAGGGTCCACACTTACTGTGCCCTCAGCAGATTTCCAAACAAGCTGGC[TAA>T]AAGTCTCCAGACCTAGGAAGATGTAGAGAGGCAGAGTAAAGACTCAGGGAGTGGAAAAAG-3'

ClinVar aggregate classification (germline): Pathogenic/Likely pathogenic. Review status: criteria provided, multiple submitters, no conflicts (2 of 4 stars). 4 submissions from 4 submitters: Pathogenic (2); Likely pathogenic (1). 1 of the submissions does not count toward it. Last evaluated 2025-09-11.

Conditions:
Tay-Sachs disease (TSD). Also called: HEXA DEFICIENCY; Hexosaminidase A Deficiency; HEXA Disorders; GM2 gangliosidosis, type 1; Hexosaminidase alpha-subunit deficiency (variant B); Sphingolipidosis, Tay-Sachs. Identifiers: Orphanet 845, MedGen C0039373, MONDO:0010100, OMIM 272800.

Submissions (4):

Natera, Inc.
Classification: Likely pathogenic for Tay-Sachs disease. Last evaluated: 2025-09-11. Review status: criteria provided, single submitter. Criteria: Natera Variant Classification Schema (03/2026). Collection method: clinical testing. Allele origin: germline.
Comment: The c.425_426delTT variant in HEXA is a frameshift variant predicted to shift the reading frame and introduce a stop codon. This variant is expected to result in nonsense mediated decay, truncation, or a dysfunctional protein product. This variant is rare in the general population with a frequency below the threshold expected for the associated phenotype(s). Given the available evidence, this variant is classified as Likely Pathogenic.

Labcorp Genetics (formerly Invitae), Labcorp
Classification: Pathogenic for Tay-Sachs disease. Last evaluated: 2025-04-26. Review status: criteria provided, single submitter. Criteria: Invitae Variant Classification Sherloc (09022015). Collection method: clinical testing. Allele origin: germline.
Comment: This sequence change creates a premature translational stop signal (p.Phe142*) in the HEXA gene. It is expected to result in an absent or disrupted protein product. Loss-of-function variants in HEXA are known to be pathogenic (PMID: 1833974, 8490625). This variant is not present in population databases (gnomAD no frequency). This premature translational stop signal has been observed in individual(s) with Tay-Sachs disease (PMID: 8490625). This variant is also known as frameshift codon 142. ClinVar contains an entry for this variant (Variation ID: 3932). For these reasons, this variant has been classified as Pathogenic.

Women's Health and Genetics/Laboratory Corporation of America, LabCorp
Classification: Pathogenic for Tay-Sachs disease. Last evaluated: 2021-09-26. Review status: criteria provided, single submitter. Criteria: LabCorp Variant Classification Summary - May 2015. Collection method: clinical testing. Allele origin: germline.
Comment: Variant summary: HEXA c.425_426delTT (p.Phe142X) results in a premature termination codon, predicted to cause a truncation of the encoded protein or absence of the protein due to nonsense mediated decay, which are commonly known mechanisms for disease. Truncations downstream of this position have been classified as pathogenic by our laboratory. The variant was absent in 251452 control chromosomes. c.425_426delTT has been reported in the literature in individuals affected with Tay-Sachs Disease and has been subsequently cited by others (example Akli_1993). To our knowledge, no experimental evidence demonstrating an impact on protein function has been reported. One clinical diagnostic laboratory has submitted clinical-significance assessments for this variant to ClinVar after 2014 without evidence for independent evaluation and classified the variant as pathogenic. Based on the evidence outlined above, the variant was classified as pathogenic.

OMIM
Classification: Pathogenic for TAY-SACHS DISEASE. Last evaluated: 1993-01-01. Review status: no assertion criteria provided. Collection method: literature only. Allele origin: germline. Not counted in ClinVar's aggregate classification.

Literature cited by the submitters: PubMed 1833974 (cited by Labcorp Genetics (formerly Invitae), Labcorp); PubMed 8490625 (cited by 3 submitters).